The following is an entry in ClinVar:

NM_194248.3(OTOF):c.5647C>T (p.Gln1883Ter)

Gene: OTOF (otoferlin; minus strand). Cytogenetic location: 2p23.3.
Variant type: single nucleotide variant.
Coding change: c.5647C>T on transcript NM_194248.3 (MANE Select); coding-DNA position 5647, C replaced by T.
Protein change: p.Gln1883Ter; replaces glutamine 1883 with a stop codon.
Molecular consequence: nonsense.
Genome position (GRCh38, 1-based): chr2:26,460,917, G>A on the plus strand (C>T on the coding strand, the complement: OTOF is on the minus strand). VCF-style: chr2-26460917-G-A. GRCh37 (hg19) VCF-style: chr2-26683785-G-A.
Other names: c.5647C>T, p.Gln1883Ter (NM_001287489.2); c.3346C>T, p.Gln1116Ter (NM_004802.4, NM_194323.3); c.3577C>T, p.Gln1193Ter (NM_194322.3); short protein forms Q1116*, Q1193*, Q1883*.
Identifiers: ClinVar variation 4879897 (VCV004879897.1).

ClinVar aggregate classification (germline): Pathogenic (0 of 4 stars; one submission).

Conditions:
Autosomal recessive nonsyndromic hearing loss 9. Also called: NEUROSENSORY NONSYNDROMIC RECESSIVE DEAFNESS 9; OTOF-Related Hearing Loss; Deafness, autosomal recessive 9; AUDITORY NEUROPATHY, AUTOSOMAL RECESSIVE, 1, TEMPERATURE-SENSITIVE. Identifiers: Orphanet 90636, MedGen C1832828, MONDO:0010986, OMIM 601071.

Submission:

Diagnosis and Treatment Center of Genetic Hearing Loss, Eye & ENT Hospital of Fudan University
Classification: Pathogenic for Autosomal recessive nonsyndromic hearing loss 9. Last evaluated: 2026-02-04. Review status: no assertion criteria provided. Collection method: clinical testing. Allele origin: germline. Inheritance: Autosomal recessive inheritance. Affected: yes.
Comment: The c.5647C>T variant in OTOF creates a premature stop codon at amino acid 1883, predicted to result in a truncated protein and nonsense‑mediated mRNA decay (NMD) (PVS1). It is absent from the ESP, 1000 Genomes, and gnomAD population databases (PM2_Supporting). At least one patient with auditory neuropathy has been reported carrying this variant in trans with a likely pathogenic variant (c.4748G>A) (PM3; PMID: 24001616). The phenotype is highly specific for auditory neuropathy (PP4).

Literature cited by the submitters: PubMed 24001616.